The following is an entry in ClinVar:

ClinVar aggregate classification (germline): Conflicting classifications of pathogenicity. Review status: criteria provided, conflicting classifications (1 of 4 stars). 7 submissions from 7 submitters: Uncertain significance (3); Likely benign (3). 1 of the submissions does not count toward it. Last evaluated 2026-02-02.

Conditions:
COL18A1-related disorder. Also called: COL18A1-related condition; COL18A1-related disorders.
Knobloch syndrome 1 (KNO1). Identifiers: MedGen C4551775, MONDO:0800167, OMIM 267750.
Knobloch syndrome (KNO). Also called: Myopia retinal detachment encephalocele; RETINAL DETACHMENT AND OCCIPITAL ENCEPHALOCELE. Identifiers: Orphanet 1571, MedGen C1849409, MONDO:0800166.

Allele frequency attached by ClinVar (database versions not stated): 1000 Genomes Project 30x 0.00078; 1000 Genomes Project 0.00100; TOPMed 0.00133; gnomAD 0.00142 and 0.00148; gnomAD exomes 0.00154 and 0.00237; ESP Exome Variant Server 0.00163; ExAC 0.00327.
gnomAD v4.1: 3,560 of 1,593,918 alleles (0.22%); highest among the groups gnomAD compares: Non-Finnish European, 0.27%; 7 homozygotes.

Submissions (7):

Labcorp Genetics (formerly Invitae), Labcorp
Classification: Likely benign. Last evaluated: 2026-02-02. Review status: criteria provided, single submitter. Criteria: Invitae Variant Classification Sherloc (09022015). Collection method: clinical testing. Allele origin: germline.

CeGaT Center for Human Genetics Tuebingen
Classification: Likely benign. Last evaluated: 2026-01-01. Review status: criteria provided, single submitter. Criteria: CeGaT Center For Human Genetics Tuebingen Variant Classification Criteria Version 2. Collection method: clinical testing. Allele origin: germline. Affected: yes. Observed: 1 variant allele.
Comment: COL18A1: BS2

Blueprint Genetics
Classification: Likely benign. Last evaluated: 2024-11-28. Review status: criteria provided, single submitter. Criteria: ACMG Guidelines, 2015. Collection method: clinical testing. Allele origin: germline.

GeneDx
Classification: Uncertain significance. Last evaluated: 2022-03-10. Review status: criteria provided, single submitter. Criteria: GeneDx Variant Classification Process June 2021. Collection method: clinical testing. Allele origin: germline. Affected: yes.
Comment: In silico analysis supports that this missense variant has a deleterious effect on protein structure/function; Has not been previously published as pathogenic or benign to our knowledge

Baylor Genetics
Classification: Uncertain significance for Knobloch syndrome 1. Last evaluated: 2018-02-26. Review status: criteria provided, single submitter. Criteria: ACMG Guidelines, 2015. Collection method: clinical testing. Allele origin: unknown. Affected: yes.
Comment: This variant was determined to be of uncertain significance according to ACMG Guidelines, 2015 [PMID:25741868].

Neuberg Centre For Genomic Medicine, NCGM
Classification: Uncertain significance for Knobloch syndrome 1. Review status: criteria provided, single submitter. Criteria: ACMG Guidelines, 2015. Collection method: clinical testing. Allele origin: germline. Inheritance: Autosomal recessive inheritance. Affected: yes.
Comment: The missense c.3539G>A p.Arg1180Gln variant in COL18A1 gene has not been reported previously as a pathogenic variant nor as a benign variant, to our knowledge. The p.Arg1180Gln variant is reported with allele frequency of 0.1% in gnomAD Exomes. This variant has been reported to the ClinVar database as Likely Benign / Uncertain Significance. The amino acid change p.Arg1180Gln in COL18A1 is predicted as conserved by GERP++ and PhyloP across 100 vertebrates. The amino acid Arg at position 1180 is changed to a Gln changing protein sequence and it might alter its composition and physico-chemical properties. For these reasons, this variant has been classified as a Variant of Uncertain Significance VUS.

PreventionGenetics, part of Exact Sciences
Classification: Likely benign for COL18A1-related condition. Last evaluated: 2022-06-28. Review status: no assertion criteria provided. Collection method: clinical testing. Allele origin: germline. Not counted in ClinVar's aggregate classification.
Comment: This variant is classified as likely benign based on ACMG/AMP sequence variant interpretation guidelines (Richards et al. 2015 PMID: 25741868, with internal and published modifications).

NM_001379500.1(COL18A1):c.3539G>A (p.Arg1180Gln)

Genes: COL18A1 (collagen type XVIII alpha 1 chain; plus strand), SLC19A1 (solute carrier family 19 member 1; minus strand). Cytogenetic location: 21q22.3.
Variant type: single nucleotide variant.
Coding change: c.3539G>A on transcript NM_001379500.1 (MANE Select); coding-DNA position 3539, G replaced by A.
Protein change: p.Arg1180Gln; replaces arginine 1180 with glutamine.
Molecular consequence: missense variant.
Genome position (GRCh38, 1-based): chr21:45,510,107, G>A. VCF-style: chr21-45510107-G-A. GRCh37 (hg19) VCF-style: chr21-46930021-G-A.
Other names: NM_130445.2:c.3530G>A; c.4070G>A, p.Arg1357Gln (NM_030582.4); c.4775G>A, p.Arg1592Gln (NM_130444.3); c.4070G>A (NM_030582.3); short protein forms R1180Q, R1357Q, R1592Q.
Identifiers: ClinVar variation 1031584 (VCV001031584.19), dbSNP rs200484625, ClinGen allele CA10067949.
Genomic context (GRCh38, chr21:45,510,107, plus strand): 5'-CGCCCCTCTCCCCGCAGCTCCACCTGGTTGCGCTCAACAGCCCCCTGTCAGGCGGCATGC[G>A]GGGCATCCGCGGGGCCGACTTCCAGTGCTTCCAGCAGGCGCGGGCCGTGGGGCTGGCGGG-3'
Protein context (NP_001366429.1, residues 1170-1190): ALNSPLSGGM[Arg1180Gln]GIRGADFQCF